The following is an entry in ClinVar:

ClinVar aggregate classification (germline): Uncertain significance (1 of 4 stars; one submission).

gnomAD v4.1: 3 of 1,613,878 alleles (0.00019%); highest among the groups gnomAD compares: Non-Finnish European, 0.00025%; 1 homozygote.

Submission:

GeneDx
Classification: Uncertain significance. Last evaluated: 2025-01-29. Review status: criteria provided, single submitter. Criteria: GeneDx Variant Classification Process June 2021. Collection method: clinical testing. Allele origin: germline. Affected: yes.
Comment: Not observed at significant frequency in large population cohorts (gnomAD); In silico analysis supports that this missense variant has a deleterious effect on protein structure/function; Has not been previously published as pathogenic or benign to our knowledge

NM_015100.4(POGZ):c.2470A>C (p.Thr824Pro)

Gene: POGZ (pogo transposable element derived with ZNF domain; minus strand). Cytogenetic location: 1q21.3.
Variant type: single nucleotide variant.
Coding change: c.2470A>C on transcript NM_015100.4 (MANE Select); coding-DNA position 2470, A replaced by C.
Protein change: p.Thr824Pro; replaces threonine 824 with proline.
Molecular consequence: missense variant.
Genome position (GRCh38, 1-based): chr1:151,406,986, T>G on the plus strand (A>C on the coding strand, the complement: POGZ is on the minus strand). VCF-style: chr1-151406986-T-G. GRCh37 (hg19) VCF-style: chr1-151379462-T-G.
Other names: c.2443A>C, p.Thr815Pro (NM_001194937.2); c.2284A>C, p.Thr762Pro (NM_001194938.2); c.2491A>C, p.Thr831Pro (NM_001410860.1); c.2185A>C, p.Thr729Pro (NM_145796.4); c.2311A>C, p.Thr771Pro (NM_207171.2); short protein forms T729P, T762P, T771P, T815P, T824P, T831P.
Identifiers: ClinVar variation 4072638 (VCV004072638.1).